The following is an entry in ClinVar:

ClinVar aggregate classification (germline): Likely benign (1 of 4 stars; one submission).

gnomAD v4.1: 760 of 1,551,110 alleles (0.049%); highest among the groups gnomAD compares: African/African-American, 0.87%; 5 homozygotes.

Submission:

CeGaT Center for Human Genetics Tuebingen
Classification: Likely benign. Last evaluated: 2025-10-01. Review status: criteria provided, single submitter. Criteria: CeGaT Center For Human Genetics Tuebingen Variant Classification Criteria Version 2. Collection method: clinical testing. Allele origin: germline. Affected: yes. Observed: 1 variant allele.
Comment: COL6A5: BP4, BP7

NM_001278298.2(COL6A5):c.702C>T (p.Leu234=)

Gene: COL6A5 (collagen type VI alpha 5 chain; plus strand). Cytogenetic location: 3q22.1.
Variant type: single nucleotide variant.
Coding change: c.702C>T on transcript NM_001278298.2 (MANE Select); coding-DNA position 702, C replaced by T.
Protein change: p.Leu234=; no amino-acid change (leucine 234 retained).
Molecular consequence: synonymous variant. On other transcripts: non-coding transcript variant (1).
Genome position (GRCh38, 1-based): chr3:130,379,452, C>T. VCF-style: chr3-130379452-C-T. GRCh37 (hg19) VCF-style: chr3-130098295-C-T.
Other names: c.702C>T, p.Leu234= (NM_153264.7).
Identifiers: ClinVar variation 4534004 (VCV004534004.6).